The following is an entry in ClinVar:

ClinVar aggregate classification (germline): Likely benign (1 of 4 stars; one submission).

Conditions:
Vitreoretinopathy. Also called: Vitreoretinal degeneration. Identifiers: MedGen C0344290, MONDO:0020248, HP:0007773.

Allele frequency attached by ClinVar (database versions not stated): TOPMed 0.00027; gnomAD 0.00035 and 0.00051; 1000 Genomes Project 0.00040; 1000 Genomes Project 30x 0.00078.

Submission:

Illumina Laboratory Services, Illumina
Classification: Likely benign for Vitreoretinopathy. Last evaluated: 2017-04-27. Review status: criteria provided, single submitter. Criteria: ICSL Variant Classification Criteria 13 December 2019. Collection method: clinical testing. Allele origin: germline.
Comment: This variant was observed as part of a predisposition screen in an ostensibly healthy population. A literature search was performed for the gene, cDNA change, and amino acid change (where applicable). No publications were found based on this search. Allele frequency data from public databases allowed determination this variant is unlikely to cause disease. Therefore, this variant is classified as likely benign.

NM_004385.5(VCAN):c.*835G>A

Gene: VCAN (versican; plus strand). Cytogenetic location: 5q14.3.
Variant type: single nucleotide variant.
Coding change: c.*835G>A on transcript NM_004385.5 (MANE Select); 835 bases downstream of the stop codon, G replaced by A.
Molecular consequence: 3 prime UTR variant.
Genome position (GRCh38, 1-based): chr5:83,581,269, G>A. VCF-style: chr5-83581269-G-A. GRCh37 (hg19) VCF-style: chr5-82877088-G-A.
Other names: c.*835G>A (NM_001126336.3, NM_001164097.2, NM_001164098.2).
Identifiers: ClinVar variation 354479 (VCV000354479.6), dbSNP rs184855903, ClinGen allele CA10625157.
Genomic context (GRCh38, chr5:83,581,269, plus strand): 5'-TACTTTTTAATGGCTTTCATAACACTAACTCATAAGGTTACCGATCAATGCATTTCATAC[G>A]GATATAGACCTAGGGCTCTGGAGGGTGGGGGATTGTTAAAACACATGCAAAAAAAAAAAA-3'